The following continues an entry in ClinVar:

NC_000011.10:g.5227159G>A

ClinVar aggregate classification (germline): Pathogenic/Likely pathogenic. Pathogenic (10); Likely pathogenic (1).

Submissions 10 to 13 of 13:

Women's Health and Genetics/Laboratory Corporation of America, LabCorp
Classification: Pathogenic for Hemoglobinopathy. Last evaluated: 2018-11-08. Review status: criteria provided, single submitter. Criteria: LabCorp Variant Classification Summary - May 2015. Collection method: clinical testing. Allele origin: germline.
Comment: Variant summary: HBB c.-138C>T involves the alteration of a conserved nucleotide that is located in the untranscribed region upstream of the HBB gene region, in the promoter region. The variant allele was found at a frequency of 0.00026 in 30972 control chromosomes, predominantly observed within the African subpopulation at a frequency of 0.00092 in the gnomAD database. c.-138C>T has been reported in the literature in multiple individuals of African origin who were affected with Beta Thalassemia Intermedia and mixed heterozygous hemoglobinopathies (e.g. Orkin 1984, Beris 1992, Muniz 2000, Carrocini 2017, Silva 2016). These data indicate that the variant is very likely to be associated with disease. At least one publication reports experimental evidence evaluating an impact on mRNA expression, and demonstrated about a 3-5 times lower expression of the variant mRNA compared with the wild type (Orkin 1984). Two clinical diagnostic laboratories have submitted clinical-significance assessments for this variant to ClinVar after 2014 without evidence for independent evaluation, and both laboratories classified the variant as pathogenic (1x)/likely pathogenic(1x). Based on the evidence outlined above, the variant was classified as pathogenic.

Ambry Genetics
Classification: Pathogenic for Inborn genetic diseases. Last evaluated: 2017-04-21. Review status: criteria provided, single submitter. Criteria: Ambry Variant Classification Scheme 2023. Collection method: clinical testing. Allele origin: germline.
Comment: The c.-138C>T pathogenic mutation is located in the 5' untranslated region (5&rsquo; UTR) of the HBB gene. This pathogenic mutation results from a C to T substitution 138 bases upstream from the first translated codon. In one study, this mutation was detected in the homozygous state in 3 individuals with mild beta-thalassemia and in 2 individuals in conjunction with hemoglobin S (Gonzalez-Redondo JM et al. Blood, 1988 Sep;72:1007-14). In addition, in vitro studies showed a 3-5 times reduction in beta-globin RNA transcripts compared to wild type (Orkin SH et al. J. Biol. Chem., 1984 Jul;259:8679-81). Based on the supporting evidence, this alteration is interpreted as a disease-causing mutation.

OMIM
Classification: Pathogenic for BETA-PLUS-THALASSEMIA. Last evaluated: 1984-07-01. Review status: no assertion criteria provided. Collection method: literature only. Allele origin: germline. Not counted in ClinVar's aggregate classification.

GeneReviews
No classification provided. Condition: beta Thalassemia. Review status: no classification provided. Collection method: literature only. Allele origin: germline. Not counted in ClinVar's aggregate classification.

Literature cited by the submitters: PubMed 2458145 (cited by 4 submitters); PubMed 27263053 (cited by 3 submitters); PubMed 28385923 (cited by 4 submitters); PubMed 6086605 (cited by 6 submitters); PubMed 27117567 (cited by Natera, Inc. and Quest Diagnostics Nichols Institute San Juan Capistrano); PubMed 36598439 (cited by Dasa); PubMed 29188602 (cited by Dasa); PubMed 20301599 (cited by Quest Diagnostics Nichols Institute San Juan Capistrano); PubMed 33947296 (cited by Quest Diagnostics Nichols Institute San Juan Capistrano); PubMed 31395865 (cited by Quest Diagnostics Nichols Institute San Juan Capistrano); PubMed 22975760 (cited by Quest Diagnostics Nichols Institute San Juan Capistrano); PubMed 16732578 (cited by Quest Diagnostics Nichols Institute San Juan Capistrano); PubMed 25412720 (cited by Quest Diagnostics Nichols Institute San Juan Capistrano); PubMed 27765567 (cited by Quest Diagnostics Nichols Institute San Juan Capistrano); PubMed 1384315 (cited by Women's Health and Genetics/Laboratory Corporation of America, LabCorp and Ambry Genetics); PubMed 10815781 (cited by Women's Health and Genetics/Laboratory Corporation of America, LabCorp); PubMed 26372288 (cited by Women's Health and Genetics/Laboratory Corporation of America, LabCorp); PubMed 28366028 (cited by Women's Health and Genetics/Laboratory Corporation of America, LabCorp); PubMed 3462712 (cited by Ambry Genetics); PubMed 9401495 (cited by Ambry Genetics); PubMed 6733281 (cited by OMIM); NCBI Bookshelf NBK1426 (cited by GeneReviews).